The following is an entry in ClinVar:

NM_182943.3(PLOD2):c.23C>T (p.Pro8Leu)

Gene: PLOD2 (procollagen-lysine,2-oxoglutarate 5-dioxygenase 2; minus strand). Cytogenetic location: 3q24.
Variant type: single nucleotide variant.
Coding change: c.23C>T on transcript NM_182943.3 (MANE Select); coding-DNA position 23, C replaced by T.
Protein change: p.Pro8Leu; replaces proline 8 with leucine.
Molecular consequence: missense variant.
Genome position (GRCh38, 1-based): chr3:146,160,967, G>A on the plus strand (C>T on the coding strand, the complement: PLOD2 is on the minus strand). VCF-style: chr3-146160967-G-A. GRCh37 (hg19) VCF-style: chr3-145878754-G-A.
Other names: c.23C>T, p.Pro8Leu (NM_000935.3); short protein forms P8L.
Identifiers: ClinVar variation 1446456 (VCV001446456.6), dbSNP rs2032549755, ClinGen allele CA354895425.

ClinVar aggregate classification (germline): Uncertain significance (1 of 4 stars; one submission).

Allele frequency attached by ClinVar (database versions not stated): gnomAD exomes below 0.00001; gnomAD 0.00001; TOPMed 0.00002.
gnomAD v4.1: 5 of 1,594,032 alleles (0.00031%); highest among the groups gnomAD compares: Non-Finnish European, 0.00043%; no homozygotes.

Submission:

Labcorp Genetics (formerly Invitae), Labcorp
Classification: Uncertain significance. Last evaluated: 2021-03-31. Review status: criteria provided, single submitter. Criteria: Invitae Variant Classification Sherloc (09022015). Collection method: clinical testing. Allele origin: germline.
Comment: In summary, the available evidence is currently insufficient to determine the role of this variant in disease. Therefore, it has been classified as a Variant of Uncertain Significance. Algorithms developed to predict the effect of missense changes on protein structure and function output the following: SIFT: "Tolerated"; PolyPhen-2: "Benign"; Align-GVGD: "Class C0". The leucine amino acid residue is found in multiple mammalian species, suggesting that this missense change does not adversely affect protein function. These predictions have not been confirmed by published functional studies and their clinical significance is uncertain. This variant has not been reported in the literature in individuals with PLOD2-related conditions. This variant is not present in population databases (ExAC no frequency). This sequence change replaces proline with leucine at codon 8 of the PLOD2 protein (p.Pro8Leu). The proline residue is weakly conserved and there is a moderate physicochemical difference between proline and leucine.